The following is an entry in ClinVar:

ClinVar aggregate classification (germline): Pathogenic (1 of 4 stars; one submission).

Conditions:
Immunodeficiency 104. Also called: Severe combined immunodeficiency, autosomal recessive, T cell-negative, B cell-positive, NK cell-positive; IMMUNODEFICIENCY 104, SEVERE COMBINED; SCID, AUTOSOMAL RECESSIVE, T CELL-NEGATIVE, B CELL-POSITIVE, NK CELL-POSITIVE; Severe Combined Immune Deficiency, Autosomal Recessive, TCell -Negative, B Cell-Positive, NK Cell-Positive, IL7R-Related. Identifiers: MedGen C5676890, MONDO:0012163, OMIM 608971.

Submission:

Labcorp Genetics (formerly Invitae), Labcorp
Classification: Pathogenic for Immunodeficiency 104. Last evaluated: 2023-12-22. Review status: criteria provided, single submitter. Criteria: Invitae Variant Classification Sherloc (09022015). Collection method: clinical testing. Allele origin: germline.
Comment: This sequence change creates a premature translational stop signal (p.Phe59Leufs*22) in the IL7R gene. It is expected to result in an absent or disrupted protein product. Loss-of-function variants in IL7R are known to be pathogenic (PMID: 21664875, 26123418). This variant is not present in population databases (gnomAD no frequency). This premature translational stop signal has been observed in individual(s) with severe combined immunodeficiency (PMID: 19890784). For these reasons, this variant has been classified as Pathogenic.

Literature cited by the submitters: PubMed 21664875; PubMed 26123418; PubMed 19890784.

NM_002185.5(IL7R):c.177del (p.Phe59fs)

Gene: IL7R (interleukin 7 receptor; plus strand). Cytogenetic location: 5p13.2.
Variant type: Deletion.
Coding change: c.177del on transcript NM_002185.5 (MANE Select); coding-DNA position 177, one base deleted (T; older notation c.177delT).
Protein change: p.Phe59fs; shifts the reading frame from phenylalanine 59.
Molecular consequence: frameshift variant. On other transcripts: non-coding transcript variant (1).
Genome position (GRCh38, 1-based): chr5:35,860,946, T deleted; the last of 4 consecutive T bases (chr5:35,860,943-35,860,946); deleting any one gives the same sequence. VCF-style (leftmost placement, unchanged base first): chr5-35860942-CT-C. GRCh37 (hg19) VCF-style: chr5-35861044-CT-C.
Other names: c.177del, p.Phe59fs (NM_001410734.1); short protein forms F59fs.
Identifiers: ClinVar variation 2734713 (VCV002734713.3), dbSNP rs765287425, ClinGen allele CA3231857.
Genomic context (GRCh38, chr5:35,860,942, plus strand): 5'-ACTCATTCTCATGCTATAGCCAGTTGGAAGTGAATGGATCGCAGCACTCACTGACCTGTG[CT>C]TTTGAGGACCCAGATGTCAACATCACCAATCTGGAATTTGAAATATGGTGAGGGATGGTG-3'